The following is an entry in ClinVar:

ClinVar aggregate classification (germline): Uncertain significance. Review status: criteria provided, single submitter (1 of 4 stars). 2 submissions from 2 submitters: Uncertain significance (1). 1 of the submissions does not count toward it. Last evaluated 2018-01-13.

Conditions:
Gaze palsy, familial horizontal, with progressive scoliosis 1 (HGPPS1). Identifiers: Orphanet 2744, MedGen C4551964, MONDO:0020790, OMIM 607313.
ROBO3-related disorder. Also called: ROBO3-related condition.

Allele frequency attached by ClinVar (database versions not stated): gnomAD exomes 0.00012 and 0.00032; gnomAD 0.00019; TOPMed 0.00022; ExAC 0.00028; 1000 Genomes Project 0.00040; 1000 Genomes Project 30x 0.00062.

Submissions (2):

Illumina Laboratory Services, Illumina
Classification: Uncertain significance for Gaze palsy, familial horizontal, with progressive scoliosis 1. Last evaluated: 2018-01-13. Review status: criteria provided, single submitter. Criteria: ICSL Variant Classification Criteria 13 December 2019. Collection method: clinical testing. Allele origin: germline.

PreventionGenetics, part of Exact Sciences
Classification: Likely benign for ROBO3-related condition. Last evaluated: 2022-07-30. Review status: no assertion criteria provided. Collection method: clinical testing. Allele origin: germline. Not counted in ClinVar's aggregate classification.
Comment: This variant is classified as likely benign based on ACMG/AMP sequence variant interpretation guidelines (Richards et al. 2015 PMID: 25741868, with internal and published modifications).

NM_022370.4(ROBO3):c.2183G>A (p.Ser728Asn)

Gene: ROBO3 (roundabout guidance receptor 3; plus strand). Cytogenetic location: 11q24.2.
Variant type: single nucleotide variant.
Coding change: c.2183G>A on transcript NM_022370.4 (MANE Select); coding-DNA position 2183, G replaced by A.
Protein change: p.Ser728Asn; replaces serine 728 with asparagine.
Molecular consequence: missense variant.
Genome position (GRCh38, 1-based): chr11:124,875,220, G>A. VCF-style: chr11-124875220-G-A. GRCh37 (hg19) VCF-style: chr11-124745116-G-A.
Other names: short protein forms S728N.
Identifiers: ClinVar variation 303250 (VCV000303250.7), dbSNP rs189303564, ClinGen allele CA6343710.